The following is an entry in ClinVar:

NM_001436401.1(NOBOX):c.159A>C (p.Ser53=)

Gene: NOBOX (NOBOX oogenesis homeobox; minus strand). Cytogenetic location: 7q35.
Variant type: single nucleotide variant.
Coding change: c.159A>C on transcript NM_001436401.1 (MANE Select); coding-DNA position 159, A replaced by C.
Protein change: p.Ser53=; no amino-acid change (serine 53 retained).
Molecular consequence: synonymous variant. On other transcripts: intron variant (1).
Genome position (GRCh38, 1-based): chr7:144,401,476, T>G on the plus strand (A>C on the coding strand, the complement: NOBOX is on the minus strand). VCF-style: chr7-144401476-T-G. GRCh37 (hg19) VCF-style: chr7-144098569-T-G.
Other names: c.38-1164A>C (NM_001436402.1).
Identifiers: ClinVar variation 2658133 (VCV002658133.24), dbSNP rs1440135419, ClinGen allele CA458553066.
Genomic context (GRCh38, chr7:144,401,476, plus strand): 5'-CAGTCTCCCAGCATCAGCCCCGGTGGCTTCTCCAGAGACTGCTGGCGGCTTCTTCTCTCC[T>G]GAGATGGTGCAGGAGGGTGGCAGTTCCTCACTCTGAGTGTCCTGAGCATGAGGGGCTGAG-3'
Protein context (NP_001423330.1, residues 43-63): SEELPPSCTI[Ser53=]GEKKPPAVSG

ClinVar aggregate classification (germline): Likely benign (1 of 4 stars; one submission).

Submission:

CeGaT Center for Human Genetics Tuebingen
Classification: Likely benign. Last evaluated: 2023-01-01. Review status: criteria provided, single submitter. Criteria: CeGaT Center For Human Genetics Tuebingen Variant Classification Criteria Version 2. Collection method: clinical testing. Allele origin: germline. Affected: yes. Observed: 1 variant allele.
Comment: NOBOX: PM2:Supporting, BP4, BP7